The following is an entry in ClinVar:

NM_153676.4(USH1C):c.591C>T (p.Gly197=)

Gene: USH1C (USH1 protein network component harmonin; minus strand). Cytogenetic location: 11p15.1.
Variant type: single nucleotide variant.
Coding change: c.591C>T on transcript NM_153676.4 (MANE Select); coding-DNA position 591, C replaced by T.
Protein change: p.Gly197=; no amino-acid change (glycine 197 retained).
Molecular consequence: synonymous variant. On other transcripts: non-coding transcript variant (1).
Genome position (GRCh38, 1-based): chr11:17,526,430, G>A on the plus strand (C>T on the coding strand, the complement: USH1C is on the minus strand). VCF-style: chr11-17526430-G-A. GRCh37 (hg19) VCF-style: chr11-17547977-G-A.
Other names: c.591C>T, p.Gly197= (NM_001297764.2, NM_005709.4).
Identifiers: ClinVar variation 2641646 (VCV002641646.24), dbSNP rs2497183067, ClinGen allele CA473302089.

ClinVar aggregate classification (germline): Likely benign (1 of 4 stars; one submission).

Allele frequency attached by ClinVar (database versions not stated): gnomAD exomes below 0.00001.
gnomAD v4.1: 1 of 1,613,984 alleles (0.000062%); highest among the groups gnomAD compares: Non-Finnish European, 0.000085%; no homozygotes.

Submission:

CeGaT Center for Human Genetics Tuebingen
Classification: Likely benign. Last evaluated: 2023-06-01. Review status: criteria provided, single submitter. Criteria: CeGaT Center For Human Genetics Tuebingen Variant Classification Criteria Version 2. Collection method: clinical testing. Allele origin: germline. Affected: yes. Observed: 1 variant allele.
Comment: USH1C: PM2:Supporting, BP4, BP7